The following is an entry in ClinVar:

ClinVar aggregate classification (germline): Likely benign. Review status: criteria provided, single submitter (1 of 4 stars). 2 submissions from 2 submitters: Likely benign (1). 1 of the submissions does not count toward it. Last evaluated 2026-01-12.

Conditions:
BCAT2-related disorder. Also called: BCAT2-related condition.

Allele frequency attached by ClinVar (database versions not stated): gnomAD exomes 0.00014 and 0.00052; ExAC 0.00057; gnomAD 0.00172 and 0.00185; ESP Exome Variant Server 0.00185; TOPMed 0.00202; 1000 Genomes Project 0.00300; 1000 Genomes Project 30x 0.00328.
gnomAD v4.1: 482 of 1,614,104 alleles (0.03%); highest among the groups gnomAD compares: African/African-American, 0.52%; 1 homozygote.

Submissions (2):

Labcorp Genetics (formerly Invitae), Labcorp
Classification: Likely benign. Last evaluated: 2026-01-12. Review status: criteria provided, single submitter. Criteria: Invitae Variant Classification Sherloc (09022015). Collection method: clinical testing. Allele origin: germline.

PreventionGenetics, part of Exact Sciences
Classification: Likely benign for BCAT2-related condition. Last evaluated: 2020-08-06. Review status: no assertion criteria provided. Collection method: clinical testing. Allele origin: germline. Not counted in ClinVar's aggregate classification.
Comment: This variant is classified as likely benign based on ACMG/AMP sequence variant interpretation guidelines (Richards et al. 2015 PMID: 25741868, with internal and published modifications).

NM_001190.4(BCAT2):c.1120A>G (p.Lys374Glu)

Gene: BCAT2 (branched chain amino acid transaminase 2; minus strand). Cytogenetic location: 19q13.33.
Variant type: single nucleotide variant.
Coding change: c.1120A>G on transcript NM_001190.4 (MANE Select); coding-DNA position 1120, A replaced by G.
Protein change: p.Lys374Glu; replaces lysine 374 with glutamic acid.
Molecular consequence: missense variant.
Genome position (GRCh38, 1-based): chr19:48,796,448, T>C on the plus strand (A>G on the coding strand, the complement: BCAT2 is on the minus strand). VCF-style: chr19-48796448-T-C. GRCh37 (hg19) VCF-style: chr19-49299705-T-C.
Other names: c.844A>G, p.Lys282Glu (NM_001164773.2); c.1000A>G, p.Lys334Glu (NM_001284325.2); c.1120A>G (NM_001190.3); short protein forms K282E, K334E, K374E.
Identifiers: ClinVar variation 1637906 (VCV001637906.10), dbSNP rs140856269, ClinGen allele CA9558186.